The following is an entry in ClinVar:

ClinVar aggregate classification (germline): Uncertain significance (1 of 4 stars; one submission).

Conditions:
Autosomal dominant childhood-onset proximal spinal muscular atrophy with contractures (SMALED2A). Also called: SPINAL MUSCULAR ATROPHY, LOWER EXTREMITY-PREDOMINANT, 2A, CHILDHOOD ONSET, AUTOSOMAL DOMINANT; Spinal muscular atrophy, lower extremity-predominant, 2A, autosomal dominant. Identifiers: Orphanet 363447, Orphanet 363454, MedGen C4747715, MONDO:0014121, OMIM 615290.

Submission:

Labcorp Genetics (formerly Invitae), Labcorp
Classification: Uncertain significance for Autosomal dominant childhood-onset proximal spinal muscular atrophy with contractures. Last evaluated: 2018-08-02. Review status: criteria provided, single submitter. Criteria: Invitae Variant Classification Sherloc (09022015). Collection method: clinical testing. Allele origin: germline.
Comment: This sequence change replaces leucine with proline at codon 488 of the BICD2 protein (p.Leu488Pro). The leucine residue is moderately conserved and there is a moderate physicochemical difference between leucine and proline. This variant is not present in population databases (ExAC no frequency). This variant has not been reported in the literature in individuals with BICD2-related disease. Algorithms developed to predict the effect of missense changes on protein structure and function are either unavailable or do not agree on the potential impact of this missense change (SIFT: "Tolerated"; PolyPhen-2: "Probably Damaging"; Align-GVGD: "Class C0"). In summary, the available evidence is currently insufficient to determine the role of this variant in disease. Therefore, it has been classified as a Variant of Uncertain Significance.

NM_001003800.2(BICD2):c.1463T>C (p.Leu488Pro)

Gene: BICD2 (BICD cargo adaptor 2; minus strand). Cytogenetic location: 9q22.31.
Variant type: single nucleotide variant.
Coding change: c.1463T>C on transcript NM_001003800.2 (MANE Select); coding-DNA position 1463, T replaced by C.
Protein change: p.Leu488Pro; replaces leucine 488 with proline.
Molecular consequence: missense variant.
Genome position (GRCh38, 1-based): chr9:92,719,182, A>G on the plus strand (T>C on the coding strand, the complement: BICD2 is on the minus strand). VCF-style: chr9-92719182-A-G. GRCh37 (hg19) VCF-style: chr9-95481464-A-G.
Other names: c.1463T>C, p.Leu488Pro (NM_015250.4); short protein forms L488P.
Identifiers: ClinVar variation 663554 (VCV000663554.9), dbSNP rs1587668983, ClinGen allele CA374037955.